The following is an entry in ClinVar:

ClinVar aggregate classification (germline): Likely benign. Review status: criteria provided, multiple submitters, no conflicts (2 of 4 stars). 3 submissions from 3 submitters: Likely benign (2). 1 of the submissions does not count toward it. Last evaluated 2026-01-06.

Conditions:
DNAH9-related disorder. Also called: DNAH9-related condition.

Allele frequency attached by ClinVar (database versions not stated): 1000 Genomes Project 30x 0.00016; 1000 Genomes Project 0.00020; ExAC 0.00030; gnomAD exomes 0.00030 and 0.00055; gnomAD 0.00040 and 0.00042; TOPMed 0.00040; ESP Exome Variant Server 0.00054.
gnomAD v4.1: 841 of 1,592,986 alleles (0.053%); highest among the groups gnomAD compares: Non-Finnish European, 0.067%; 1 homozygote.

Submissions (3):

Labcorp Genetics (formerly Invitae), Labcorp
Classification: Likely benign. Last evaluated: 2026-01-06. Review status: criteria provided, single submitter. Criteria: Invitae Variant Classification Sherloc (09022015). Collection method: clinical testing. Allele origin: germline.

Blueprint Genetics
Classification: Likely benign. Last evaluated: 2024-10-21. Review status: criteria provided, single submitter. Criteria: ACMG Guidelines, 2015. Collection method: clinical testing. Allele origin: germline.

PreventionGenetics, part of Exact Sciences
Classification: Likely benign for DNAH9-related condition. Last evaluated: 2023-12-27. Review status: no assertion criteria provided. Collection method: clinical testing. Allele origin: germline. Not counted in ClinVar's aggregate classification.
Comment: This variant is classified as likely benign based on ACMG/AMP sequence variant interpretation guidelines (Richards et al. 2015 PMID: 25741868, with internal and published modifications).

NM_001372.4(DNAH9):c.5814+8C>T

Gene: DNAH9 (dynein axonemal heavy chain 9; plus strand). Cytogenetic location: 17p12.
Variant type: single nucleotide variant.
Coding change: c.5814+8C>T on transcript NM_001372.4 (MANE Select); 8 bases into the intron after coding-DNA position 5814, C replaced by T.
Molecular consequence: intron variant.
Genome position (GRCh38, 1-based): chr17:11,727,930, C>T. VCF-style: chr17-11727930-C-T. GRCh37 (hg19) VCF-style: chr17-11631247-C-T.
Other names: c.5814+8C>T (NM_001372.3).
Identifiers: ClinVar variation 1658086 (VCV001658086.11), dbSNP rs200245235, ClinGen allele CA8396117.
Genomic context (GRCh38, chr17:11,727,930, plus strand): 5'-TTGATGAGTTTAATCGAATCTCCGTGGAGGTCTTGTCAGTGGTGGCAGTGCAGGTAAGGG[C>T]CAGAAGTTGGTGGGAGCCTTGTGGTCTTCATATTGATTACTGCGGAAGTCTATGTCCTCT-3'